The following is an entry in ClinVar:

NM_000036.3(AMPD1):c.215+6T>C

Gene: AMPD1 (adenosine monophosphate deaminase 1; minus strand). Cytogenetic location: 1p13.2.
Variant type: single nucleotide variant.
Coding change: c.215+6T>C on transcript NM_000036.3 (MANE Select); 6 bases into the intron after coding-DNA position 215, T replaced by C.
Molecular consequence: intron variant.
Genome position (GRCh38, 1-based): chr1:114,688,555, A>G on the plus strand (T>C on the coding strand, the complement: AMPD1 is on the minus strand). VCF-style: chr1-114688555-A-G. GRCh37 (hg19) VCF-style: chr1-115231176-A-G.
Other names: c.203+6T>C (NM_001172626.2).
Identifiers: ClinVar variation 2129509 (VCV002129509.4), dbSNP rs2526386736, ClinGen allele CA2580060832.

ClinVar aggregate classification (germline): Uncertain significance (1 of 4 stars; one submission).

Conditions:
Muscle AMP deaminase deficiency (MMDD). Also called: AMPD1 DEFICIENCY; Myoadenylate deaminase deficiency, myopathy due to; Adenosine monophosphate deaminase 1 deficiency; AMP deaminase 1 deficiency; Adenosine Monophosphate Deaminase 1; ADENOSINE MONOPHOSPHATE DEAMINASE-1 DEFICIENCY, MYOPATHY DUE TO. Identifiers: Orphanet 45, MedGen C3714933, MONDO:0014220, OMIM 615511.

Submission:

Labcorp Genetics (formerly Invitae), Labcorp
Classification: Uncertain significance for Muscle AMP deaminase deficiency. Last evaluated: 2022-10-17. Review status: criteria provided, single submitter. Criteria: Invitae Variant Classification Sherloc (09022015). Collection method: clinical testing. Allele origin: germline.
Comment: In summary, the available evidence is currently insufficient to determine the role of this variant in disease. Therefore, it has been classified as a Variant of Uncertain Significance. Variants that disrupt the consensus splice site are a relatively common cause of aberrant splicing (PMID: 17576681, 9536098). Algorithms developed to predict the effect of sequence changes on RNA splicing suggest that this variant is not likely to affect RNA splicing. This variant has not been reported in the literature in individuals affected with AMPD1-related conditions. This variant is not present in population databases (gnomAD no frequency). This sequence change falls in intron 3 of the AMPD1 gene. It does not directly change the encoded amino acid sequence of the AMPD1 protein. It affects a nucleotide within the consensus splice site.

Literature cited by the submitters: PubMed 17576681; PubMed 9536098.